The following is an entry in ClinVar:

NM_003172.4(SURF1):c.74G>A (p.Trp25Ter)

Genes: SURF1 (SURF1 cytochrome c oxidase assembly factor; minus strand), LOC130002899 (ATAC-STARR-seq lymphoblastoid silent region 20452; plus strand). Cytogenetic location: 9q34.2.
Variant type: single nucleotide variant.
Coding change: c.74G>A on transcript NM_003172.4 (MANE Select); coding-DNA position 74, G replaced by A.
Protein change: p.Trp25Ter; replaces tryptophan 25 with a stop codon.
Molecular consequence: nonsense. On other transcripts: intron variant (1).
Genome position (GRCh38, 1-based): chr9:133,356,301, C>T on the plus strand (G>A on the coding strand, the complement: SURF1 is on the minus strand). VCF-style: chr9-133356301-C-T. GRCh37 (hg19) VCF-style: chr9-136223156-C-T.
Other names: c.-222+99G>A (NM_001280787.1); c.74G>A (NM_003172.3); short protein forms W25*.
Identifiers: ClinVar variation 1460027 (VCV001460027.37), dbSNP rs1187982748, ClinGen allele CA375695075.

ClinVar aggregate classification (germline): Conflicting classifications of pathogenicity. Review status: criteria provided, conflicting classifications (1 of 4 stars). 4 submissions from 4 submitters: Pathogenic (2); Likely pathogenic (1); Uncertain significance (1). Last evaluated 2025-07-28.

Conditions:
Mitochondrial complex IV deficiency, nuclear type 1 (MC4DN1). Also called: COX DEFICIENCY; Mitochondrial complex IV deficiency; Complex 4 mitochondrial respiratory chain deficiency; Deficiency of mitochondrial respiratory chain complex4; Complex IV deficiency. Identifiers: MedGen C5435656, MONDO:0700250, OMIM 220110. Disease mechanism: loss of function.
Leigh syndrome (NULS). Also called: Leigh Syndrome (mtDNA deletion); Leigh's necrotizing encephalopathy; Leigh's disease; Leigh Disease; Leigh's syndrome; LEIGH SYNDROME, NUCLEAR. Identifiers: Orphanet 506, MedGen C2931891, MONDO:0009723, OMIM 256000.

Allele frequency attached by ClinVar (database versions not stated): gnomAD 0.00001; gnomAD exomes 0.00001.
gnomAD v4.1: 9 of 1,527,316 alleles (0.00059%); highest among the groups gnomAD compares: Non-Finnish European, 0.00079%; no homozygotes.

Submissions (4):

Labcorp Genetics (formerly Invitae), Labcorp
Classification: Pathogenic for Leigh syndrome. Last evaluated: 2025-07-28. Review status: criteria provided, single submitter. Criteria: Invitae Variant Classification Sherloc (09022015). Collection method: clinical testing. Allele origin: germline.
Comment: This sequence change creates a premature translational stop signal (p.Trp25*) in the SURF1 gene. It is expected to result in an absent or disrupted protein product. Loss-of-function variants in SURF1 are known to be pathogenic (PMID: 10443880, 22488715, 24027061). This variant is present in population databases (no rsID available, gnomAD 0.007%). This premature translational stop signal has been observed in individual(s) with Leigh syndrome (PMID: 10443880). ClinVar contains an entry for this variant (Variation ID: 1460027). For these reasons, this variant has been classified as Pathogenic.

Victorian Clinical Genetics Services, Murdoch Childrens Research Institute
Classification: Uncertain significance for Mitochondrial complex IV deficiency, nuclear type 1. Last evaluated: 2023-12-21. Review status: criteria provided, single submitter. Criteria: ACMG Guidelines, 2015. Collection method: clinical testing. Allele origin: germline. Inheritance: Autosomal recessive inheritance. Affected: yes.
Comment: Based on the classification scheme VCGS_Germline_v1.3.4, this variant is classified as VUS-3A. Following criteria are met: 0102 - Loss of function is a known mechanism of disease in this gene and is associated with mitochondrial complex IV deficiency, nuclear type 1 (MIM#220110) and Charcot-Marie-Tooth disease, type 4K (MIM#616684). (I) 0106 - This gene is associated with autosomal recessive disease. (I) 0115 - Variants in this gene are known to have variable expressivity. Variable features and severity has been reported for mitochondrial complex IV deficiency, nuclear type 1 which often manifests as Leigh syndrome (PMID: 23829769). (I) 0204 - Variant is predicted to result in a truncated protein (premature termination codon is located within the first 102 nucleotides of the coding sequence and is predicted to escape nonsense-mediated decay). (SP) 0219 - This variant is non-coding in an alternative transcript. The variant is in exon 2, which is noncoding in the alternate transcript, and is lowly expressed in most tissues (UCSC, GTEx). (I) 0251 - This variant is heterozygous. (I) 0304 - Variant is present in gnomAD (v2) <0.01 for a recessive condition (1 heterozygote, 0 homozygotes). (SP) 0704 - Other protein truncating variants comparable to the one identified in this case have limited previous evidence for pathogenicity. Although both the p.(Gln8*) and p.(Gly17*) variants have been classified as likely pathogenic in ClinVar, they are located in exon 1 which is an untranslated region in the alternate transcript and lowly expressed across most tissues (UCSC, GTEx). Additionally, there is limited information provided justifying their pathogenicity (ClinVar). (SP) 0802 - This variant has moderate previous evidence of pathogenicity in unrelated individuals. This variant has been classified as likely pathogenic and pathogenic in ClinVar. In addition, it has been reported as compound heterozygous in one child with typical Leigh syndrome with COX deficiency; however, only SURF1 was analysed in this study (PMID: 10443880). (SP) 0905 - No published segregation evidence has been identified for this variant. (I) 1007 - No published functional evidence has been identified for this variant. (I) Legend: (SP) - Supporting pathogenic, (I) - Information, (SB) - Supporting benign

Women's Health and Genetics/Laboratory Corporation of America, LabCorp
Classification: Likely pathogenic for Leigh syndrome. Last evaluated: 2023-03-07. Review status: criteria provided, single submitter. Criteria: LabCorp Variant Classification Summary - May 2015. Collection method: clinical testing. Allele origin: germline.
Comment: Variant summary: SURF1 c.74G>A (p.Trp25X) results in a premature termination codon, predicted to cause a truncation of the encoded protein or absence of the protein due to nonsense mediated decay, which are commonly known mechanisms for disease. Truncations downstream of this position have been classified as pathogenic by our laboratory. The variant was absent in 120608 control chromosomes (gnomAD). c.74G>A has been reported in the literature in an individual affected with Leigh Syndrome (example: Tiranti_1999). These report(s) do not provide unequivocal conclusions about association of the variant with Leigh Syndrome. To our knowledge, no experimental evidence demonstrating an impact on protein function has been reported. Two clinical diagnostic laboratories have submitted clinical-significance assessments for this variant to ClinVar after 2014 and classified the variant as pathogenic. Based on the evidence outlined above, the variant was classified as likely pathogenic.

CeGaT Center for Human Genetics Tuebingen
Classification: Pathogenic. Last evaluated: 2018-09-01. Review status: criteria provided, single submitter. Criteria: CeGaT Center For Human Genetics Tuebingen Variant Classification Criteria Version 2. Collection method: clinical testing. Allele origin: germline. Affected: yes. Observed: 1 variant allele.

Literature cited by the submitters: PubMed 10443880 (cited by 3 submitters); PubMed 22488715 (cited by Labcorp Genetics (formerly Invitae), Labcorp); PubMed 24027061 (cited by Labcorp Genetics (formerly Invitae), Labcorp); PubMed 23829769 (cited by Victorian Clinical Genetics Services, Murdoch Childrens Research Institute).